The following is an entry in ClinVar:

ClinVar aggregate classification (germline): Uncertain significance (1 of 4 stars; one submission).

Submission:

GeneDx
Classification: Uncertain significance. Last evaluated: 2024-10-31. Review status: criteria provided, single submitter. Criteria: GeneDx Variant Classification Process June 2021. Collection method: clinical testing. Allele origin: germline. Affected: yes.
Comment: In silico analysis supports that this missense variant has a deleterious effect on protein structure/function; Has not been previously published as pathogenic or benign to our knowledge

NM_001261.4(CDK9):c.208C>T (p.Leu70Phe)

Gene: CDK9 (cyclin dependent kinase 9; plus strand). Cytogenetic location: 9q34.11.
Variant type: single nucleotide variant.
Coding change: c.208C>T on transcript NM_001261.4 (MANE Select); coding-DNA position 208, C replaced by T.
Protein change: p.Leu70Phe; replaces leucine 70 with phenylalanine.
Molecular consequence: missense variant.
Genome position (GRCh38, 1-based): chr9:127,787,551, C>T. VCF-style: chr9-127787551-C-T. GRCh37 (hg19) VCF-style: chr9-130549830-C-T.
Other names: short protein forms L70F.
Identifiers: ClinVar variation 3897322 (VCV003897322.1).
Genomic context (GRCh38, chr9:127,787,551, plus strand): 5'-GACCACTTTCCCCTCTTTCTCACCCAGTTCCCCATTACAGCCTTGCGGGAGATCAAGATC[C>T]TTCAGCTTCTAAAACACGAGAATGTGGTCAACTTGATTGAGATTTGTCGAACCAAAGGTA-3'
Protein context (NP_001252.1, residues 60-80): PITALREIKI[Leu70Phe]QLLKHENVVN